The following is an entry in ClinVar:

ClinVar aggregate classification (germline): Conflicting classifications of pathogenicity. Review status: criteria provided, conflicting classifications (1 of 4 stars). 2 submissions from 2 submitters: Uncertain significance (1); Likely benign (1). Last evaluated 2025-02-25.

Conditions:
Inborn genetic diseases. Identifiers: MedGen C0950123, MeSH D030342.

Allele frequency attached by ClinVar (database versions not stated): gnomAD exomes 0.00002; ExAC 0.00004; 1000 Genomes Project 0.00020; gnomAD 0.00001; 1000 Genomes Project 30x 0.00016.
gnomAD v4.1: 11 of 1,613,608 alleles (0.00068%); highest among the groups gnomAD compares: South Asian, 0.0099%; no homozygotes.

Submissions (2):

Ambry Genetics
Classification: Uncertain significance for Inborn genetic diseases. Last evaluated: 2025-02-25. Review status: criteria provided, single submitter. Criteria: Ambry Variant Classification Scheme 2023. Collection method: clinical testing. Allele origin: germline.

GeneDx
Classification: Likely benign. Last evaluated: 2018-05-02. Review status: criteria provided, single submitter. Criteria: GeneDx Variant Classification (06012015). Collection method: clinical testing. Allele origin: germline. Affected: yes.
Comment: This variant is considered likely benign or benign based on one or more of the following criteria: it is a conservative change, it occurs at a poorly conserved position in the protein, it is predicted to be benign by multiple in silico algorithms, and/or has population frequency not consistent with disease.

NM_018136.5(ASPM):c.1076A>G (p.His359Arg)

Gene: ASPM (assembly factor for spindle microtubules; minus strand). Cytogenetic location: 1q31.3.
Variant type: single nucleotide variant.
Coding change: c.1076A>G on transcript NM_018136.5 (MANE Select); coding-DNA position 1076, A replaced by G.
Protein change: p.His359Arg; replaces histidine 359 with arginine.
Molecular consequence: missense variant.
Genome position (GRCh38, 1-based): chr1:197,143,176, T>C on the plus strand (A>G on the coding strand, the complement: ASPM is on the minus strand). VCF-style: chr1-197143176-T-C. GRCh37 (hg19) VCF-style: chr1-197112306-T-C.
Other names: c.1076A>G, p.His359Arg (NM_001206846.2); short protein forms H359R.
Identifiers: ClinVar variation 682398 (VCV000682398.2), dbSNP rs534221332, ClinGen allele CA1310767.